The following is an entry in ClinVar:

NM_014000.3(VCL):c.2142C>T (p.Asp714=)

Gene: VCL (vinculin; plus strand). Cytogenetic location: 10q22.2.
Variant type: single nucleotide variant.
Coding change: c.2142C>T on transcript NM_014000.3 (MANE Select); coding-DNA position 2142, C replaced by T.
Protein change: p.Asp714=; no amino-acid change (aspartic acid 714 retained).
Molecular consequence: synonymous variant.
Genome position (GRCh38, 1-based): chr10:74,105,061, C>T. VCF-style: chr10-74105061-C-T. GRCh37 (hg19) VCF-style: chr10-75864819-C-T.
Other names: c.2142C>T, p.Asp714= (NM_003373.4).
Identifiers: ClinVar variation 415307 (VCV000415307.36), dbSNP rs373790383, ClinGen allele CA5563174.

ClinVar aggregate classification (germline): Benign/Likely benign. Review status: criteria provided, multiple submitters, no conflicts (2 of 4 stars). 8 submissions from 8 submitters: Benign (1); Likely benign (6). 1 of the submissions does not count toward it. Last evaluated 2026-02-03.

Conditions:
VCL-related disorder. Also called: VCL-related condition.
Dilated cardiomyopathy 1W (CMD1W). Identifiers: Orphanet 154, MedGen C1969639, MONDO:0012667, OMIM 611407.
Cardiovascular phenotype. Identifiers: MedGen CN230736.

Allele frequency attached by ClinVar (database versions not stated): ESP Exome Variant Server 0.00008; gnomAD 0.00009; gnomAD exomes 0.00012 and 0.00014; ExAC 0.00013; TOPMed 0.00013.
gnomAD v4.1: 212 of 1,613,956 alleles (0.013%); highest among the groups gnomAD compares: Admixed American, 0.022%; no homozygotes.

Submissions (8):

Labcorp Genetics (formerly Invitae), Labcorp
Classification: Likely benign for Dilated cardiomyopathy 1W. Last evaluated: 2026-02-03. Review status: criteria provided, single submitter. Criteria: Invitae Variant Classification Sherloc (09022015). Collection method: clinical testing. Allele origin: germline.

Molecular Diagnostic Laboratory for Inherited Cardiovascular Disease, Montreal Heart Institute
Classification: Likely benign. Last evaluated: 2025-04-09. Review status: criteria provided, single submitter. Criteria: ACMG Guidelines, 2015. Collection method: clinical testing. Allele origin: germline. Affected: no.

Blueprint Genetics
Classification: Likely benign. Last evaluated: 2024-02-29. Review status: criteria provided, single submitter. Criteria: ACMG Guidelines, 2015. Collection method: clinical testing. Allele origin: germline.

Women's Health and Genetics/Laboratory Corporation of America, LabCorp
Classification: Benign. Last evaluated: 2023-12-11. Review status: criteria provided, single submitter. Criteria: LabCorp Variant Classification Summary - May 2015. Collection method: clinical testing. Allele origin: germline.

Ambry Genetics
Classification: Likely benign for Cardiovascular phenotype. Last evaluated: 2021-06-28. Review status: criteria provided, single submitter. Criteria: Ambry Variant Classification Scheme 2023. Collection method: clinical testing. Allele origin: germline.

GeneDx
Classification: Likely benign. Last evaluated: 2020-09-28. Review status: criteria provided, single submitter. Criteria: GeneDx Variant Classification Process June 2021. Collection method: clinical testing. Allele origin: germline. Affected: yes.

Laboratory for Molecular Medicine, Mass General Brigham Personalized Medicine
Classification: Likely benign. Last evaluated: 2017-09-12. Review status: criteria provided, single submitter. Criteria: LMM Criteria. Collection method: clinical testing. Allele origin: germline. Observed: 1 variant allele.
Comment: p.Asp714Asp in Exon 16 of VCL: This variant is not expected to have clinical sig nificance because it does not alter an amino acid residue, is not located within the splice consensus sequence. It has been identified in 18/126488 European chr omosomes by the Genome Aggregation Database Project (gnomAD; dbSNP rs373790383).

PreventionGenetics, part of Exact Sciences
Classification: Likely benign for VCL-related condition. Last evaluated: 2019-07-16. Review status: no assertion criteria provided. Collection method: clinical testing. Allele origin: germline. Not counted in ClinVar's aggregate classification.
Comment: This variant is classified as likely benign based on ACMG/AMP sequence variant interpretation guidelines (Richards et al. 2015 PMID: 25741868, with internal and published modifications).